The following is an entry in ClinVar:

ClinVar aggregate classification (germline): Uncertain significance. Review status: criteria provided, multiple submitters, no conflicts (2 of 4 stars). 2 submissions from 2 submitters: Uncertain significance (2). Last evaluated 2026-07-26.

Conditions:
Inborn genetic diseases. Identifiers: MedGen C0950123, MeSH D030342.
Aortic valve disease 2 (AOVD2). Identifiers: MedGen C3542024, MONDO:0013902, OMIM 614823.

Allele frequency attached by ClinVar (database versions not stated): gnomAD exomes 0.00001; TOPMed 0.00001; gnomAD 0.00001.
gnomAD v4.1: 13 of 1,307,238 alleles (0.00099%); highest among the groups gnomAD compares: Non-Finnish European, 0.0012%; no homozygotes.

Submissions (2):

Ambry Genetics
Classification: Uncertain significance for Inborn genetic diseases. Last evaluated: 2026-07-26. Review status: criteria provided, single submitter. Criteria: Ambry Variant Classification Scheme 2023. Collection method: clinical testing. Allele origin: germline.
Comment: The p.R210C variant (also known as c.628C>T), located in coding exon 1 of the SMAD6 gene, results from a C to T substitution at nucleotide position 628. The arginine at codon 210 is replaced by cysteine, an amino acid with highly dissimilar properties. This amino acid position is conserved. In addition, the in silico prediction for this alteration is inconclusive. Based on the available evidence, the clinical significance of this variant remains unclear.

Labcorp Genetics (formerly Invitae), Labcorp
Classification: Uncertain significance for Aortic valve disease 2. Last evaluated: 2023-01-12. Review status: criteria provided, single submitter. Criteria: Invitae Variant Classification Sherloc (09022015). Collection method: clinical testing. Allele origin: germline.
Comment: In summary, the available evidence is currently insufficient to determine the role of this variant in disease. Therefore, it has been classified as a Variant of Uncertain Significance. Advanced modeling of protein sequence and biophysical properties (such as structural, functional, and spatial information, amino acid conservation, physicochemical variation, residue mobility, and thermodynamic stability) performed at Invitae indicates that this missense variant is not expected to disrupt SMAD6 protein function. This variant has not been reported in the literature in individuals affected with SMAD6-related conditions. This variant is not present in population databases (gnomAD no frequency). This sequence change replaces arginine, which is basic and polar, with cysteine, which is neutral and slightly polar, at codon 210 of the SMAD6 protein (p.Arg210Cys).

NM_005585.5(SMAD6):c.628C>T (p.Arg210Cys)

Gene: SMAD6 (SMAD family member 6; plus strand). Cytogenetic location: 15q22.31.
Variant type: single nucleotide variant.
Coding change: c.628C>T on transcript NM_005585.5 (MANE Select); coding-DNA position 628, C replaced by T.
Protein change: p.Arg210Cys; replaces arginine 210 with cysteine.
Molecular consequence: missense variant. On other transcripts: non-coding transcript variant (1).
Genome position (GRCh38, 1-based): chr15:66,703,886, C>T. VCF-style: chr15-66703886-C-T. GRCh37 (hg19) VCF-style: chr15-66996224-C-T.
Other names: short protein forms R210C.
Identifiers: ClinVar variation 2396409 (VCV002396409.6), dbSNP rs967200746, ClinGen allele CA271683259.